The following is an entry in ClinVar:

NM_000479.5(AMH):c.163_164del (p.Cys55fs)

Gene: AMH (anti-Mullerian hormone; plus strand). Cytogenetic location: 19p13.3.
Variant type: Microsatellite.
Coding change: c.163_164del on transcript NM_000479.5 (MANE Select); coding-DNA positions 163 to 164, 2 bases deleted (TG; older notation c.163_164delTG).
Protein change: p.Cys55fs; shifts the reading frame from cysteine 55.
Molecular consequence: frameshift variant.
Genome position (GRCh38, 1-based): chr19:2,249,495-2,249,496, TG deleted; deleting any 2 consecutive bases within chr19:2,249,493-2,249,496 gives the same sequence; the c. name uses the placement nearest the transcript's 3' end. VCF-style (leftmost placement, unchanged base first): chr19-2249492-CTG-C. GRCh37 (hg19) VCF-style: chr19-2249491-CTG-C.
Other names: short protein forms C55fs.
Identifiers: ClinVar variation 4977526 (VCV004977526.1).

ClinVar aggregate classification (germline): Pathogenic (1 of 4 stars; one submission).

Conditions:
AMH-related disorder. Also called: AMH-related condition.

Submission:

PreventionGenetics, part of Exact Sciences
Classification: Pathogenic for AMH-related condition. Last evaluated: 2024-12-12. Review status: criteria provided, single submitter. Criteria: ACMG Guidelines, 2015. Collection method: clinical testing. Allele origin: germline.
Comment: The AMH c.163_164delTG variant is predicted to result in a frameshift and premature protein termination (p.Cys55Profs*25). To our knowledge, this variant has not been reported in the literature. This variant is reported in 0.0059% of alleles in individuals of Latino descent in gnomAD. Frameshift variants in AMH are expected to be pathogenic. This variant is interpreted as pathogenic.